The following is an entry in ClinVar:

NM_001035.3(RYR2):c.1953T>A (p.His651Gln)

Gene: RYR2 (ryanodine receptor 2; plus strand). Cytogenetic location: 1q43.
Variant type: single nucleotide variant.
Coding change: c.1953T>A on transcript NM_001035.3 (MANE Select); coding-DNA position 1953, T replaced by A.
Protein change: p.His651Gln; replaces histidine 651 with glutamine.
Molecular consequence: missense variant.
Genome position (GRCh38, 1-based): chr1:237,493,079, T>A. VCF-style: chr1-237493079-T-A. GRCh37 (hg19) VCF-style: chr1-237656379-T-A.
Other names: c.1953T>A (NM_001035.2); short protein forms H651Q.
Identifiers: ClinVar variation 4806430 (VCV004806430.2).

ClinVar aggregate classification (germline): Uncertain significance. Review status: criteria provided, multiple submitters, no conflicts (2 of 4 stars). 2 submissions from 2 submitters: Uncertain significance (2). Last evaluated 2026-03-22.

Conditions:
Catecholaminergic polymorphic ventricular tachycardia 1. Also called: VENTRICULAR TACHYCARDIA, CATECHOLAMINERGIC POLYMORPHIC, 1, WITH OR WITHOUT ATRIAL DYSFUNCTION AND/OR DILATED CARDIOMYOPATHY; RYR2-Related Catecholaminergic Polymorphic Ventricular Tachycardia; VENTRICULAR TACHYCARDIA, STRESS-INDUCED POLYMORPHIC 1. Identifiers: Orphanet 3286, MedGen C1631597, MONDO:0011484, OMIM 604772.

Submissions (2):

GeneDx
Classification: Uncertain significance. Last evaluated: 2026-03-22. Review status: criteria provided, single submitter. Criteria: GeneDx Variant Classification Process June 2021. Collection method: clinical testing. Allele origin: germline.
Comment: Not observed at significant frequency in large population cohorts (gnomAD); In silico analysis suggests that this missense variant does not alter protein structure/function; Has not been previously published as pathogenic or benign to our knowledge; Not located in one of the three hot-spot regions of the RYR2 gene, where the majority of pathogenic missense variants occur (PMID: 19926015); This variant is associated with the following publications: (PMID: 19926015)

Labcorp Genetics (formerly Invitae), Labcorp
Classification: Uncertain significance for Catecholaminergic polymorphic ventricular tachycardia 1. Last evaluated: 2026-01-01. Review status: criteria provided, single submitter. Criteria: Invitae Variant Classification Sherloc (09022015). Collection method: clinical testing. Allele origin: germline.
Comment: This sequence change replaces histidine, which is basic and polar, with glutamine, which is neutral and polar, at codon 651 of the RYR2 protein (p.His651Gln). This variant is not present in population databases (gnomAD no frequency). This variant has not been reported in the literature in individuals affected with RYR2-related conditions. Invitae Evidence Modeling of protein sequence and biophysical properties (such as structural, functional, and spatial information, amino acid conservation, physicochemical variation, residue mobility, and thermodynamic stability) indicates that this missense variant is not expected to disrupt RYR2 protein function with a negative predictive value of 95%. In summary, the available evidence is currently insufficient to determine the role of this variant in disease. Therefore, it has been classified as a Variant of Uncertain Significance.